The following is an entry in ClinVar:

ClinVar aggregate classification (germline): Uncertain significance (1 of 4 stars; one submission).

Conditions:
Moyamoya disease 2 (MYMY2). Also called: MOYAMOYA DISEASE 2, SUSCEPTIBILITY TO. Identifiers: Orphanet 2573, MedGen C1846689, MONDO:0011784, OMIM 607151.

Allele frequency attached by ClinVar (database versions not stated): ExAC 0.00002; gnomAD exomes 0.00002; TOPMed 0.00005; gnomAD 0.00006; 1000 Genomes Project 0.00040; 1000 Genomes Project 30x 0.00047.
gnomAD v4.1: 31 of 1,614,084 alleles (0.0019%); highest among the groups gnomAD compares: African/African-American, 0.016%; no homozygotes.

Submission:

Neuberg Centre For Genomic Medicine, NCGM
Classification: Uncertain significance for Moyamoya disease 2. Review status: criteria provided, single submitter. Criteria: ACMG Guidelines, 2015. Collection method: clinical testing. Allele origin: germline. Inheritance: Autosomal dominant inheritance. Affected: yes.
Comment: The splice intronic c.1271+7G>A variant in RNF213 gene has not been reported previously as a pathogenic variant nor as a benign variant, to our knowledge. The c.1271+7G>A variantis reported with allele frequency of 0.002% in gnomAD Exomes. This variant has not been submitted to the ClinVar database. However, additional functional studies will be required to prove the pathogenicity of this variant. For these reasons, this variant has been classified as Variant of Uncertain Significance (VUS).

NM_001256071.3(RNF213):c.1271+7G>A

Gene: RNF213 (ring finger protein 213; plus strand). Cytogenetic location: 17q25.3.
Variant type: single nucleotide variant.
Coding change: c.1271+7G>A on transcript NM_001256071.3 (MANE Select); 7 bases into the intron after coding-DNA position 1271, G replaced by A.
Molecular consequence: intron variant.
Genome position (GRCh38, 1-based): chr17:80,290,735, G>A. VCF-style: chr17-80290735-G-A. GRCh37 (hg19) VCF-style: chr17-78264534-G-A.
Other names: c.1418+7G>A (NM_020914.5, NM_001410195.1); c.1271+7G>A (NM_020954.4).
Identifiers: ClinVar variation 3242140 (VCV003242140.1), dbSNP rs562273966.